The following is an entry in ClinVar:

ClinVar aggregate classification (germline): Uncertain significance (1 of 4 stars; one submission).

Conditions:
Fanconi anemia (FA). Also called: Fanconi's anemia. Identifiers: Orphanet 84, MedGen C0015625, MeSH D005199, MONDO:0019391.

gnomAD v4.1: 3 of 1,614,162 alleles (0.00019%); highest among the groups gnomAD compares: Non-Finnish European, 0.00025%; no homozygotes.

Submission:

Labcorp Genetics (formerly Invitae), Labcorp
Classification: Uncertain significance for Fanconi anemia. Last evaluated: 2024-03-19. Review status: criteria provided, single submitter. Criteria: Invitae Variant Classification Sherloc (09022015). Collection method: clinical testing. Allele origin: germline.
Comment: This sequence change replaces proline, which is neutral and non-polar, with serine, which is neutral and polar, at codon 1434 of the FANCD2 protein (p.Pro1434Ser). This variant is not present in population databases (gnomAD no frequency). This variant has not been reported in the literature in individuals affected with FANCD2-related conditions. An algorithm developed to predict the effect of missense changes on protein structure and function (PolyPhen-2) suggests that this variant is likely to be tolerated. In summary, the available evidence is currently insufficient to determine the role of this variant in disease. Therefore, it has been classified as a Variant of Uncertain Significance.

NM_001018115.3(FANCD2):c.4281+19C>T

Genes: FANCD2 (FA complementation group D2; plus strand), FANCD2OS (FANCD2 opposite strand; minus strand). Cytogenetic location: 3p25.3.
Variant type: single nucleotide variant.
Coding change: c.4281+19C>T on transcript NM_001018115.3 (MANE Select); 19 bases into the intron after coding-DNA position 4281, C replaced by T.
Molecular consequence: intron variant. On other transcripts: missense variant (2).
Genome position (GRCh38, 1-based): chr3:10,098,834, C>T. VCF-style: chr3-10098834-C-T. GRCh37 (hg19) VCF-style: chr3-10140518-C-T.
Other names: c.4261C>T, p.Pro1421Ser (NM_001374254.1); c.4300C>T, p.Pro1434Ser (NM_033084.6); c.4281+19C>T (NM_001319984.2); c.4170+19C>T (NM_001374253.1); c.*43+5364G>A (NM_173472.2); short protein forms P1421S, P1434S.
Identifiers: ClinVar variation 3665756 (VCV003665756.2).